The following is an entry in ClinVar:

NM_000516.7(GNAS):c.585+6C>T

Gene: GNAS (GNAS complex locus; plus strand). Cytogenetic location: 20q13.32.
Variant type: single nucleotide variant.
Coding change: c.585+6C>T on transcript NM_000516.7 (MANE Select); 6 bases into the intron after coding-DNA position 585, C replaced by T.
Molecular consequence: intron variant.
Genome position (GRCh38, 1-based): chr20:58,909,222, C>T. VCF-style: chr20-58909222-C-T. GRCh37 (hg19) VCF-style: chr20-57484277-C-T.
Other names: c.*491+6C>T (NM_016592.5); c.408+6C>T (NM_001309861.2, NM_001309840.2); c.*446+6C>T (NM_001077490.3); c.2514+6C>T (NM_080425.4); c.588+6C>T (NM_001077488.5); c.543+6C>T (NM_080426.4); c.540+6C>T (NM_001077489.4); c.585+6C>T (NM_000516.5).
Identifiers: ClinVar variation 435344 (VCV000435344.14), dbSNP rs373084986, ClinGen allele CA9927152.

ClinVar aggregate classification (germline): Uncertain significance. Review status: criteria provided, multiple submitters, no conflicts (2 of 4 stars). 3 submissions from 3 submitters: Uncertain significance (2). 1 of the submissions does not count toward it. Last evaluated 2025-08-29.

Conditions:
GNAS-related disorder. Identifiers: MedGen CN380105.

Allele frequency attached by ClinVar (database versions not stated): ExAC 0.00006; gnomAD exomes 0.00006 and 0.00020; gnomAD 0.00009; TOPMed 0.00014; ESP Exome Variant Server 0.00015.
gnomAD v4.1: 310 of 1,611,878 alleles (0.019%); highest among the groups gnomAD compares: Non-Finnish European, 0.025%; 1 homozygote.

Submissions (3):

Labcorp Genetics (formerly Invitae), Labcorp
Classification: Uncertain significance. Last evaluated: 2025-08-29. Review status: criteria provided, single submitter. Criteria: Invitae Variant Classification Sherloc (09022015). Collection method: clinical testing. Allele origin: germline.
Comment: This sequence change falls in intron 7 of the GNAS gene. It does not directly change the encoded amino acid sequence of the GNAS protein. It affects a nucleotide within the consensus splice site. This variant is present in population databases (rs373084986, gnomAD 0.01%). This variant has not been reported in the literature in individuals affected with GNAS-related conditions. ClinVar contains an entry for this variant (Variation ID: 435344). Variants that disrupt the consensus splice site are a relatively common cause of aberrant splicing (PMID: 17576681, 9536098). Algorithms developed to predict the effect of sequence changes on RNA splicing suggest that this variant is not likely to affect RNA splicing. In summary, the available evidence is currently insufficient to determine the role of this variant in disease. Therefore, it has been classified as a Variant of Uncertain Significance.

Genetic Services Laboratory, University of Chicago
Classification: Uncertain significance. Last evaluated: 2017-02-21. Review status: criteria provided, single submitter. Criteria: ACMG Guidelines, 2015. Collection method: clinical testing. Allele origin: germline. Affected: no.

PreventionGenetics, part of Exact Sciences
Classification: Likely benign for GNAS-related condition. Last evaluated: 2020-11-03. Review status: no assertion criteria provided. Collection method: clinical testing. Allele origin: germline. Not counted in ClinVar's aggregate classification.
Comment: This variant is classified as likely benign based on ACMG/AMP sequence variant interpretation guidelines (Richards et al. 2015 PMID: 25741868, with internal and published modifications).

Literature cited by the submitters: PubMed 17576681 (cited by Labcorp Genetics (formerly Invitae), Labcorp); PubMed 9536098 (cited by Labcorp Genetics (formerly Invitae), Labcorp).